The following is an entry in ClinVar:

ClinVar aggregate classification (germline): Uncertain significance. Review status: criteria provided, multiple submitters, no conflicts (2 of 4 stars). 2 submissions from 2 submitters: Uncertain significance (2). Last evaluated 2024-06-08.

Conditions:
Brachyolmia-amelogenesis imperfecta syndrome. Also called: Tooth agenesis, selective, 6; Dental anomalies and short stature; PLATYSPONDYLY WITH AMELOGENESIS IMPERFECTA. Identifiers: Orphanet 2899, MedGen C1832594, MONDO:0011018, OMIM 601216. Disease mechanism: loss of function.
Inborn genetic diseases. Identifiers: MedGen C0950123, MeSH D030342.

Allele frequency attached by ClinVar (database versions not stated): TOPMed below 0.00001; gnomAD exomes 0.00001.
gnomAD v4.1: 19 of 1,578,764 alleles (0.0012%); highest among the groups gnomAD compares: Non-Finnish European, 0.0015%; no homozygotes.

Submissions (2):

Labcorp Genetics (formerly Invitae), Labcorp
Classification: Uncertain significance for Brachyolmia-amelogenesis imperfecta syndrome. Last evaluated: 2024-06-08. Review status: criteria provided, single submitter. Criteria: Invitae Variant Classification Sherloc (09022015). Collection method: clinical testing. Allele origin: germline.
Comment: This sequence change replaces threonine, which is neutral and polar, with serine, which is neutral and polar, at codon 283 of the LTBP3 protein (p.Thr283Ser). The frequency data for this variant in the population databases is considered unreliable, as metrics indicate poor data quality at this position in the gnomAD database. This variant has not been reported in the literature in individuals affected with LTBP3-related conditions. ClinVar contains an entry for this variant (Variation ID: 2226186). An algorithm developed to predict the effect of missense changes on protein structure and function (PolyPhen-2) suggests that this variant is likely to be disruptive. In summary, the available evidence is currently insufficient to determine the role of this variant in disease. Therefore, it has been classified as a Variant of Uncertain Significance.

Ambry Genetics
Classification: Uncertain significance for Inborn genetic diseases. Last evaluated: 2023-03-07. Review status: criteria provided, single submitter. Criteria: Ambry Variant Classification Scheme 2023. Collection method: clinical testing. Allele origin: germline.
Comment: The p.T283S variant (also known as c.848C>G), located in coding exon 3 of the LTBP3 gene, results from a C to G substitution at nucleotide position 848. The threonine at codon 283 is replaced by serine, an amino acid with similar properties. This amino acid position is conserved. In addition, the in silico prediction for this alteration is inconclusive. Since supporting evidence is limited at this time, the clinical significance of this alteration remains unclear.

NM_001130144.3(LTBP3):c.848C>G (p.Thr283Ser)

Gene: LTBP3 (latent transforming growth factor beta binding protein 3; minus strand). Cytogenetic location: 11q13.1.
Variant type: single nucleotide variant.
Coding change: c.848C>G on transcript NM_001130144.3 (MANE Select); coding-DNA position 848, C replaced by G.
Protein change: p.Thr283Ser; replaces threonine 283 with serine.
Molecular consequence: missense variant.
Genome position (GRCh38, 1-based): chr11:65,553,717, G>C on the plus strand (C>G on the coding strand, the complement: LTBP3 is on the minus strand). VCF-style: chr11-65553717-G-C. GRCh37 (hg19) VCF-style: chr11-65321188-G-C.
Other names: c.497C>G, p.Thr166Ser (NM_001164266.1); c.848C>G, p.Thr283Ser (NM_021070.4); short protein forms T166S, T283S.
Identifiers: ClinVar variation 2226186 (VCV002226186.5), dbSNP rs1199144495, ClinGen allele CA381275487.